The following is an entry in ClinVar:

ClinVar aggregate classification (germline): Pathogenic (1 of 4 stars; one submission).

Conditions:
Marfan syndrome (MFS). Also called: MARFAN SYNDROME, TYPE I; Marfan syndrome type 1; Marfan's syndrome; Marfan syndrome, classic; FBN1-Related Marfan Syndrome. Identifiers: Orphanet 284963, Orphanet 558, MedGen C0024796, MONDO:0007947, OMIM 154700.
Familial thoracic aortic aneurysm and aortic dissection (TAAD). Also called: Thoracic aortic aneurysms and dissections. Identifiers: Orphanet 91387, MedGen C4707243, MONDO:0019625.

Submission:

Labcorp Genetics (formerly Invitae), Labcorp
Classification: Pathogenic for Marfan syndrome; Familial thoracic aortic aneurysm and aortic dissection. Last evaluated: 2023-02-14. Review status: criteria provided, single submitter. Criteria: Invitae Variant Classification Sherloc (09022015). Collection method: clinical testing. Allele origin: germline.
Comment: This sequence change creates a premature translational stop signal (p.Pro1121Leufs*41) in the FBN1 gene. It is expected to result in an absent or disrupted protein product. Loss-of-function variants in FBN1 are known to be pathogenic (PMID: 17657824, 19293843). This variant is not present in population databases (gnomAD no frequency). This variant has not been reported in the literature in individuals affected with FBN1-related conditions. For these reasons, this variant has been classified as Pathogenic.

Literature cited by the submitters: PubMed 17657824; PubMed 19293843.

NM_000138.5(FBN1):c.3362del (p.Pro1121fs)

Gene: FBN1 (fibrillin 1; minus strand). Cytogenetic location: 15q21.1.
Variant type: Deletion.
Coding change: c.3362del on transcript NM_000138.5 (MANE Select); coding-DNA position 3362, one base deleted (C; older notation c.3362delC).
Protein change: p.Pro1121fs; shifts the reading frame from proline 1121.
Molecular consequence: frameshift variant.
Genome position (GRCh38, 1-based): chr15:48,487,413, G deleted on the plus strand (C on the coding strand, the reverse complement: FBN1 is on the minus strand); the first of 2 consecutive G bases (chr15:48,487,413-48,487,414); deleting either gives the same sequence. VCF-style (leftmost placement, unchanged base first): chr15-48487412-AG-A. GRCh37 (hg19) VCF-style: chr15-48779609-AG-A.
Other names: c.3362del, p.Pro1121fs (NM_001406716.1); short protein forms P1121fs.
Identifiers: ClinVar variation 2944303 (VCV002944303.3), dbSNP rs2505550546, ClinGen allele CA2740096711.